The following is an entry in ClinVar:

ClinVar aggregate classification (germline): Uncertain significance (1 of 4 stars; one submission).

Conditions:
Epidermolysis bullosa simplex 3, localized or generalized intermediate, with BP230 deficiency (EBS3). Also called: Epidermolysis bullosa simplex, autosomal recessive 2; Epidermolysis bullosa simplex due to BP230 deficiency. Identifiers: Orphanet 412181, MedGen C3809470, MONDO:0014180, OMIM 615425.
Hereditary sensory and autonomic neuropathy type 6. Also called: Neuropathy, hereditary sensory and autonomic, type VI; HSAN VI. Identifiers: Orphanet 314381, MedGen C3539003, MONDO:0013839, OMIM 614653.

Allele frequency attached by ClinVar (database versions not stated): gnomAD exomes below 0.00001; ExAC 0.00001.
gnomAD v4.1: 3 of 1,613,840 alleles (0.00019%); highest among the groups gnomAD compares: South Asian, 0.0022%; no homozygotes.

Submission:

Labcorp Genetics (formerly Invitae), Labcorp
Classification: Uncertain significance for Epidermolysis bullosa simplex 3, localized or generalized intermediate, with BP230 deficiency; Hereditary sensory and autonomic neuropathy type 6. Last evaluated: 2019-09-30. Review status: criteria provided, single submitter. Criteria: Invitae Variant Classification Sherloc (09022015). Collection method: clinical testing. Allele origin: germline.
Comment: In summary, the available evidence is currently insufficient to determine the role of this variant in disease. Therefore, it has been classified as a Variant of Uncertain Significance. Algorithms developed to predict the effect of missense changes on protein structure and function are either unavailable or do not agree on the potential impact of this missense change (SIFT: "Deleterious"; PolyPhen-2: "Not Available"; Align-GVGD: "Class C15"). This variant has not been reported in the literature in individuals with DST-related conditions. This variant is present in population databases (rs755738894, ExAC no frequency). This sequence change replaces arginine with glycine at codon 2769 of the DST protein (p.Arg2769Gly). The arginine residue is highly conserved and there is a moderate physicochemical difference between arginine and glycine. The DST gene has multiple clinically relevant transcripts. The p.Arg2769Gly variant occurs in alternate transcript NM_015548.4, which corresponds to c.*62899C>G in NM_001723.5, the primary transcript listed in the Methods.

NM_001374736.1(DST):c.16174C>G (p.Arg5392Gly)

Gene: DST (dystonin; minus strand). Cytogenetic location: 6p12.1.
Variant type: single nucleotide variant.
Coding change: c.16174C>G on transcript NM_001374736.1 (MANE Select); coding-DNA position 16174, C replaced by G.
Protein change: p.Arg5392Gly; replaces arginine 5392 with glycine.
Molecular consequence: missense variant.
Genome position (GRCh38, 1-based): chr6:56,552,618, G>C on the plus strand (C>G on the coding strand, the complement: DST is on the minus strand). VCF-style: chr6-56552618-G-C. GRCh37 (hg19) VCF-style: chr6-56417416-G-C.
Other names: c.16174C>G, p.Arg5392Gly (NM_001374722.1); c.15541C>G, p.Arg5181Gly (NM_001374729.1); c.9283C>G, p.Arg3095Gly (NM_001374730.1, NM_183380.4); c.16201C>G, p.Arg5401Gly (NM_001374734.1); c.8305C>G, p.Arg2769Gly (NM_015548.5); c.9817C>G, p.Arg3273Gly (NM_001144769.5); c.9403C>G, p.Arg3135Gly (NM_001144770.2); short protein forms R3095G, R5392G, R5401G, R2769G, R3135G, R3273G, R5181G.
Identifiers: ClinVar variation 971251 (VCV000971251.8), dbSNP rs755738894, ClinGen allele CA3867717.
Genomic context (GRCh38, chr6:56,552,618, plus strand): 5'-CCACTGGAGCCATGCTATCCAGTTCATCATCAAACTCTGCGAACTGAGAAAACATTTCTC[G>C]AATGGTATTCTGGAAATGCCCAATGCCCTGAAGCTTGGTTTCTAAGAAAGAACACTTTTC-3'
Protein context (NP_001361665.1, residues 5382-5402): QGIGHFQNTI[Arg5392Gly]EMFSQFAEFD